The following is an entry in ClinVar:

ClinVar aggregate classification (germline): Likely benign (1 of 4 stars; one submission).

Submission:

CeGaT Center for Human Genetics Tuebingen
Classification: Likely benign. Last evaluated: 2025-03-01. Review status: criteria provided, single submitter. Criteria: CeGaT Center For Human Genetics Tuebingen Variant Classification Criteria Version 2. Collection method: clinical testing. Allele origin: germline. Affected: yes. Observed: 2 variant alleles.
Comment: KIR2DL4: BP4, BP7

NM_001080770.2(KIR2DL4):c.603A>C (p.Gly201=)

Gene: KIR2DL4 (killer cell immunoglobulin like receptor, two Ig domains and long cytoplasmic tail 4). Cytogenetic location: 19q13.42.
Variant type: single nucleotide variant.
Coding change: c.603A>C on transcript NM_001080770.2 (MANE Select); coding-DNA position 603, A replaced by C.
Protein change: p.Gly201=; no amino-acid change (glycine 201 retained).
Molecular consequence: synonymous variant.
Genome position (GRCh38, 1-based): chr19:54,806,192, A>C. VCF-style: chr19-54806192-A-C. GRCh37 (hg19) VCF-style: chr19-55317647-A-C.
Other names: c.603A>C, p.Gly201= (NM_001080772.2).
Identifiers: ClinVar variation 3250542 (VCV003250542.18), dbSNP rs1397211208.